The following is an entry in ClinVar:

NM_005189.3(CBX2):c.1420G>A (p.Ala474Thr)

Gene: CBX2 (chromobox 2; plus strand). Cytogenetic location: 17q25.3.
Variant type: single nucleotide variant.
Coding change: c.1420G>A on transcript NM_005189.3 (MANE Select); coding-DNA position 1420, G replaced by A.
Protein change: p.Ala474Thr; replaces alanine 474 with threonine.
Molecular consequence: missense variant.
Genome position (GRCh38, 1-based): chr17:79,784,863, G>A. VCF-style: chr17-79784863-G-A. GRCh37 (hg19) VCF-style: chr17-77758662-G-A.
Other names: short protein forms A474T.
Identifiers: ClinVar variation 4717187 (VCV004717187.1).

ClinVar aggregate classification (germline): Uncertain significance (1 of 4 stars; one submission).

gnomAD v4.1: 13 of 1,612,944 alleles (0.00081%); highest among the groups gnomAD compares: South Asian, 0.0011%; no homozygotes.

Submission:

Labcorp Genetics (formerly Invitae), Labcorp
Classification: Uncertain significance. Last evaluated: 2025-10-19. Review status: criteria provided, single submitter. Criteria: Invitae Variant Classification Sherloc (09022015). Collection method: clinical testing. Allele origin: germline.
Comment: This sequence change replaces alanine, which is neutral and non-polar, with threonine, which is neutral and polar, at codon 474 of the CBX2 protein (p.Ala474Thr). The frequency data for this variant in the population databases is considered unreliable, as metrics indicate poor data quality at this position in the gnomAD database. This variant has not been reported in the literature in individuals affected with CBX2-related conditions. Invitae Evidence Modeling of protein sequence and biophysical properties (such as structural, functional, and spatial information, amino acid conservation, physicochemical variation, residue mobility, and thermodynamic stability) indicates that this missense variant is not expected to disrupt CBX2 protein function with a negative predictive value of 80%. In summary, the available evidence is currently insufficient to determine the role of this variant in disease. Therefore, it has been classified as a Variant of Uncertain Significance.